The following is an entry in ClinVar:

NM_001142800.2(EYS):c.3089G>C (p.Cys1030Ser)

Gene: EYS (EGF-like photoreceptor maintenance factor; minus strand). Cytogenetic location: 6q12.
Variant type: single nucleotide variant.
Coding change: c.3089G>C on transcript NM_001142800.2 (MANE Select); coding-DNA position 3089, G replaced by C.
Protein change: p.Cys1030Ser; replaces cysteine 1030 with serine.
Molecular consequence: missense variant.
Genome position (GRCh38, 1-based): chr6:64,822,726, C>G on the plus strand (G>C on the coding strand, the complement: EYS is on the minus strand). VCF-style: chr6-64822726-C-G. GRCh37 (hg19) VCF-style: chr6-65532619-C-G.
Other names: c.3089G>C, p.Cys1030Ser (NM_001292009.2); short protein forms C1030S.
Identifiers: ClinVar variation 1213990 (VCV001213990.8), dbSNP rs1764936871, ClinGen allele CA364787611.

ClinVar aggregate classification (germline): Uncertain significance. Review status: criteria provided, multiple submitters, no conflicts (2 of 4 stars). 2 submissions from 2 submitters: Uncertain significance (2). Last evaluated 2022-06-05.

Conditions:
Retinitis pigmentosa 25 (RP25). Identifiers: Orphanet 791, MedGen C1864446, MONDO:0011272, OMIM 602772.

Submissions (2):

Labcorp Genetics (formerly Invitae), Labcorp
Classification: Uncertain significance. Last evaluated: 2022-06-05. Review status: criteria provided, single submitter. Criteria: Invitae Variant Classification Sherloc (09022015). Collection method: clinical testing. Allele origin: germline.
Comment: ClinVar contains an entry for this variant (Variation ID: 1213990). This sequence change replaces cysteine, which is neutral and slightly polar, with serine, which is neutral and polar, at codon 1030 of the EYS protein (p.Cys1030Ser). This variant is not present in population databases (gnomAD no frequency). This variant has not been reported in the literature in individuals affected with EYS-related conditions. Algorithms developed to predict the effect of missense changes on protein structure and function (SIFT, PolyPhen-2, Align-GVGD) all suggest that this variant is likely to be disruptive. In summary, the available evidence is currently insufficient to determine the role of this variant in disease. Therefore, it has been classified as a Variant of Uncertain Significance.

DBGen Ocular Genomics
Classification: Uncertain significance for Retinitis pigmentosa 25. Last evaluated: 2021-06-07. Review status: criteria provided, single submitter. Criteria: ACMG Guidelines, 2015. Collection method: clinical testing. Allele origin: germline. Affected: yes. Observed: 1 variant allele.